The following is an entry in ClinVar:

ClinVar aggregate classification (germline): Conflicting classifications of pathogenicity. Review status: criteria provided, conflicting classifications (1 of 4 stars). 5 submissions from 5 submitters: Uncertain significance (1); Likely benign (4). Last evaluated 2025-07-08.

Conditions:
Cardiomyopathy (CMYO). Also called: Cardiomyopathies. Identifiers: Orphanet 167848, MedGen C0878544, MONDO:0004994, HP:0001638. Inheritance: Various modes of inheritance.
Primary dilated cardiomyopathy (DCM). Also called: Dilated Cardiomyopathy. Identifiers: Orphanet 217604, MedGen C0007193, MeSH D002311, MONDO:0005021, HP:0001644. Inheritance: Various modes of inheritance.
Charcot-Marie-Tooth disease type 2. Also called: Charcot-Marie-Tooth type 2. Identifiers: Orphanet 64746, MedGen C0270914, MONDO:0018993.
Cardiovascular phenotype. Identifiers: MedGen CN230736.

Allele frequency attached by ClinVar (database versions not stated): gnomAD exomes below 0.00001.
gnomAD v4.1: 1 of 1,585,444 alleles (0.000063%); highest among the groups gnomAD compares: Non-Finnish European, 0.000086%; no homozygotes.

Submissions (5):

Labcorp Genetics (formerly Invitae), Labcorp
Classification: Likely benign for Charcot-Marie-Tooth disease type 2. Last evaluated: 2025-07-08. Review status: criteria provided, single submitter. Criteria: Invitae Variant Classification Sherloc (09022015). Collection method: clinical testing. Allele origin: germline.

All of Us Research Program, National Institutes of Health
Classification: Likely benign for Primary dilated cardiomyopathy. Last evaluated: 2023-08-15. Review status: criteria provided, single submitter. Criteria: ACMG Guidelines, 2015. Collection method: clinical testing. Allele origin: germline. Inheritance: Autosomal dominant inheritance. Observed: 1 variant allele, 1 heterozygote.
Comment: This study involves interpretation of variants in research participants for the purpose of population health screening. Participant phenotype was not available at the time of variant classification. Additional details can be found in publication PMID: 35346344, PMCID: PMC8962531

Color Diagnostics, LLC DBA Color Health
Classification: Likely benign for Cardiomyopathy. Last evaluated: 2020-07-13. Review status: criteria provided, single submitter. Criteria: ACMG Guidelines, 2015. Collection method: clinical testing. Allele origin: germline.

Ambry Genetics
Classification: Likely benign for Cardiovascular phenotype. Last evaluated: 2019-07-11. Review status: criteria provided, single submitter. Criteria: Ambry Variant Classification Scheme 2023. Collection method: clinical testing. Allele origin: germline.

Eurofins Ntd Llc (ga)
Classification: Uncertain significance. Last evaluated: 2016-02-12. Review status: criteria provided, single submitter. Criteria: EGL Classification Definitions 2015. Collection method: clinical testing. Allele origin: germline. Observed: 1 variant allele, 1 heterozygote.

NM_170707.4(LMNA):c.1599C>T (p.Ser533=)

Gene: LMNA (lamin A/C; plus strand). Cytogenetic location: 1q22.
Variant type: single nucleotide variant.
Coding change: c.1599C>T on transcript NM_170707.4 (MANE Select); coding-DNA position 1599, C replaced by T.
Protein change: p.Ser533=; no amino-acid change (serine 533 retained).
Molecular consequence: synonymous variant.
Genome position (GRCh38, 1-based): chr1:156,137,223, C>T. VCF-style: chr1-156137223-C-T. GRCh37 (hg19) VCF-style: chr1-156107014-C-T.
Other names: c.1263C>T, p.Ser421= (NM_001257374.3); c.1356C>T, p.Ser452= (NM_001282624.2); c.1599C>T, p.Ser533= (NM_001282625.2, NM_001282626.2, NM_005572.4 and 1 more transcripts).
Identifiers: ClinVar variation 286240 (VCV000286240.14), dbSNP rs886043346, ClinGen allele CA10605409.